The following is an entry in ClinVar:

ClinVar aggregate classification (germline): Pathogenic. Review status: criteria provided, multiple submitters, no conflicts (2 of 4 stars). 4 submissions from 4 submitters: Pathogenic (4). Last evaluated 2023-08-18.

Conditions:
Hereditary nonpolyposis colorectal neoplasms. Identifiers: MedGen C0009405, MeSH D003123.
Lynch syndrome. Identifiers: Orphanet 144, MedGen C4552100, MONDO:0005835. Disease mechanism: loss of function.
Lynch syndrome 5 (LYNCH5). Also called: Colorectal cancer, hereditary nonpolyposis, type 5; Hereditary non-polyposis colorectal cancer, type 5. Identifiers: Orphanet 144, MedGen C1833477, MONDO:0013710, OMIM 614350. Disease mechanism: loss of function.

Submissions (4):

Myriad Genetics, Inc.
Classification: Pathogenic for Lynch syndrome 5. Last evaluated: 2023-08-18. Review status: criteria provided, single submitter. Criteria: Myriad Autosomal Dominant, Autosomal Recessive and X-Linked Classification Criteria (2023). Collection method: clinical testing. Allele origin: unknown.
Comment: This variant is considered pathogenic. This variant creates a frameshift predicted to result in premature protein truncation.

Labcorp Genetics (formerly Invitae), Labcorp
Classification: Pathogenic for Hereditary nonpolyposis colorectal neoplasms. Last evaluated: 2022-06-03. Review status: criteria provided, single submitter. Criteria: Invitae Variant Classification Sherloc (09022015). Collection method: clinical testing. Allele origin: germline.
Comment: This sequence change creates a premature translational stop signal (p.Thr914Ilefs*32) in the MSH6 gene. It is expected to result in an absent or disrupted protein product. Loss-of-function variants in MSH6 are known to be pathogenic (PMID: 18269114, 24362816). This variant is not present in population databases (gnomAD no frequency). This variant has not been reported in the literature in individuals affected with MSH6-related conditions. ClinVar contains an entry for this variant (Variation ID: 517156). For these reasons, this variant has been classified as Pathogenic.

Quest Diagnostics Nichols Institute San Juan Capistrano
Classification: Pathogenic. Last evaluated: 2021-08-24. Review status: criteria provided, single submitter. Criteria: Quest Diagnostics criteria. Collection method: clinical testing. Allele origin: unknown.
Comment: This frameshift variant causes the premature termination of MSH6 protein synthesis. In addition, it has been identified in an individual undergoing genetic testing (PMID: 31447099 (2019)). Based on the available information, this variant is classified as pathogenic.

Laboratory for Molecular Medicine, Mass General Brigham Personalized Medicine
Classification: Pathogenic for Lynch syndrome. Last evaluated: 2016-11-17. Review status: criteria provided, single submitter. Criteria: LMM Criteria. Collection method: clinical testing. Allele origin: germline. Inheritance: Autosomal dominant inheritance. Observed: 1 variant allele.
Comment: The p.Thr914fs variant in MSH6 has not been previously reported in individuals w ith Lynch syndrome and was absent from large population studies, though the abil ity of these studies to accurately detect indels may be limited. This variant is predicted to cause a frameshift, which alters the protein?s amino acid sequence beginning at position 914 and leads to a premature termination codon 32 amino a cids downstream. This alteration is then predicted to lead to a truncated or abs ent protein. Heterozygous loss of function of function of the MSH6 gene is an es tablished disease mechanism in colorectal cancer. In summary, this variant meets criteria to be classified as pathogenic for Lynch syndrome in an autosomal domi nant manner based upon absence from controls and the predicted impact to the pro tein.

Literature cited by the submitters: PubMed 18269114 (cited by Labcorp Genetics (formerly Invitae), Labcorp); PubMed 24362816 (cited by Labcorp Genetics (formerly Invitae), Labcorp); PubMed 31447099 (cited by Quest Diagnostics Nichols Institute San Juan Capistrano).

NM_000179.3(MSH6):c.2739_2740dup (p.Thr914fs)

Gene: MSH6 (mutS homolog 6; plus strand). Cytogenetic location: 2p16.3.
Variant type: Duplication.
Coding change: c.2739_2740dup on transcript NM_000179.3 (MANE Select); coding-DNA positions 2739 to 2740, 2 bases duplicated (TA; older notation c.2739_2740dupTA).
Protein change: p.Thr914fs; shifts the reading frame from threonine 914.
Molecular consequence: frameshift variant.
Genome position (GRCh38, 1-based): chr2:47,800,722-47,800,723, TA duplicated; duplicating any 2 consecutive bases within chr2:47,800,721-47,800,723 gives the same sequence; the c. name uses the placement nearest the transcript's 3' end. VCF-style (leftmost placement, unchanged base first): chr2-47800720-G-GAT. GRCh37 (hg19) VCF-style: chr2-48027859-G-GAT.
Other names: p.Thr914IlefsX32; c.2739_2740dupTA (NM_000179.2); c.2349_2350dup, p.Thr784fs (NM_001281492.2); c.1833_1834dup, p.Thr612fs (NM_001281493.2, NM_001281494.2); short protein forms T612fs, T914fs, T784fs.
Identifiers: ClinVar variation 517156 (VCV000517156.13), dbSNP rs1553414092, ClinGen allele CA658795772.